The following is an entry in ClinVar:

NM_199242.3(UNC13D):c.615-3C>T

Gene: UNC13D (unc-13 homolog D; minus strand). Cytogenetic location: 17q25.1.
Variant type: single nucleotide variant.
Coding change: c.615-3C>T on transcript NM_199242.3 (MANE Select); 3 bases into the intron before coding-DNA position 615, C replaced by T.
Molecular consequence: intron variant.
Genome position (GRCh38, 1-based): chr17:75,840,833, G>A on the plus strand (C>T on the coding strand, the complement: UNC13D is on the minus strand). VCF-style: chr17-75840833-G-A. GRCh37 (hg19) VCF-style: chr17-73836914-G-A.
Identifiers: ClinVar variation 1478412 (VCV001478412.3), dbSNP rs1319687389, ClinGen allele CA775098218.

ClinVar aggregate classification (germline): Uncertain significance (1 of 4 stars; one submission).

Conditions:
Familial hemophagocytic lymphohistiocytosis 3 (FHL3). Also called: UNC13D-Related Familial Hemophagocytic Lymphohistiocytosis (UNC13D-fHLH). Identifiers: Orphanet 540, MedGen C1837174, MONDO:0012146, OMIM 608898.

Allele frequency attached by ClinVar (database versions not stated): gnomAD exomes below 0.00001; gnomAD 0.00001.
gnomAD v4.1: 3 of 1,613,954 alleles (0.00019%); highest among the groups gnomAD compares: Admixed American, 0.0017%; no homozygotes.

Submission:

Labcorp Genetics (formerly Invitae), Labcorp
Classification: Uncertain significance for Familial hemophagocytic lymphohistiocytosis 3. Last evaluated: 2022-07-12. Review status: criteria provided, single submitter. Criteria: Invitae Variant Classification Sherloc (09022015). Collection method: clinical testing. Allele origin: germline.
Comment: This sequence change falls in intron 7 of the UNC13D gene. It does not directly change the encoded amino acid sequence of the UNC13D protein. It affects a nucleotide within the consensus splice site. This variant is not present in population databases (gnomAD no frequency). This variant has not been reported in the literature in individuals affected with UNC13D-related conditions. ClinVar contains an entry for this variant (Variation ID: 1478412). Variants that disrupt the consensus splice site are a relatively common cause of aberrant splicing (PMID: 17576681, 9536098). Algorithms developed to predict the effect of sequence changes on RNA splicing suggest that this variant is not likely to affect RNA splicing. In summary, the available evidence is currently insufficient to determine the role of this variant in disease. Therefore, it has been classified as a Variant of Uncertain Significance.

Literature cited by the submitters: PubMed 17576681; PubMed 9536098.